The following is an entry in ClinVar:

NC_000017.10:g.(?_3504346)_(3561464_?)del

Genes: CTNS (cystinosin, lysosomal cystine transporter; plus strand), SHPK (sedoheptulokinase; minus strand), TRPV1 (transient receptor potential cation channel subfamily V member 1; minus strand). Cytogenetic location: 17p13.2.
Variant type: Deletion.
Identifiers: ClinVar variation 1458479 (VCV001458479.44).

ClinVar aggregate classification (germline): Pathogenic (1 of 4 stars; one submission).

Conditions:
Juvenile nephropathic cystinosis. Also called: Intermediate Cystinosis; CYSTINOSIS, LATE-ONSET JUVENILE OR ADOLESCENT NEPHROPATHIC TYPE; Later-Onset (Juvenile) Cystinosis. Identifiers: Orphanet 213, Orphanet 411634, MedGen C0268626, MONDO:0009066, OMIM 219900.
Inborn genetic diseases. Identifiers: MedGen C0950123, MeSH D030342.
Ocular cystinosis. Also called: Non-Nephropathic Cystinosis; Non-Nephropathic (Ocular) Cystinosis. Identifiers: Orphanet 213, Orphanet 411641, MedGen C2931013, MONDO:0009064, OMIM 219750.

Submission:

Labcorp Genetics (formerly Invitae), Labcorp
Classification: Pathogenic for Inborn genetic diseases; Ocular cystinosis; Juvenile nephropathic cystinosis. Last evaluated: 2022-07-19. Review status: criteria provided, single submitter. Criteria: Invitae Variant Classification Sherloc (09022015). Collection method: clinical testing. Allele origin: germline.
Comment: This variant results in the deletion of exons 1-9 and part of exon 10 (c.-36008_848del) of the CTNS gene. It is expected to result in an absent or disrupted protein product. Loss-of-function variants in CTNS are known to be pathogenic (PMID: 9537412, 27102039). For these reasons, this variant has been classified as Pathogenic. A similar copy number variant has been observed in individual(s) with cystinosis and is a common 57-Kb deletion that has been associated with dysregulation of transcription (PMID: 21546516).

Literature cited by the submitters: PubMed 9537412; PubMed 27102039; PubMed 21546516.